The following is an entry in ClinVar:

NM_173685.4(NSMCE2):c.214G>A (p.Asp72Asn)

Gene: NSMCE2 (NSE2 SUMO ligase component of SMC5/6 complex; plus strand). Cytogenetic location: 8q24.13.
Variant type: single nucleotide variant.
Coding change: c.214G>A on transcript NM_173685.4 (MANE Select); coding-DNA position 214, G replaced by A.
Protein change: p.Asp72Asn; replaces aspartic acid 72 with asparagine.
Molecular consequence: missense variant. On other transcripts: non-coding transcript variant (2).
Genome position (GRCh38, 1-based): chr8:125,151,227, G>A. VCF-style: chr8-125151227-G-A. GRCh37 (hg19) VCF-style: chr8-126163469-G-A.
Other names: c.214G>A, p.Asp72Asn (NM_001349485.2, NM_001349486.2, NM_001349487.2); short protein forms D72N.
Identifiers: ClinVar variation 1916392 (VCV001916392.5), dbSNP rs1246981208, ClinGen allele CA372270029.

ClinVar aggregate classification (germline): Uncertain significance (1 of 4 stars; one submission).

Allele frequency attached by ClinVar (database versions not stated): gnomAD 0.00003.
gnomAD v4.1: 40 of 1,608,976 alleles (0.0025%); highest among the groups gnomAD compares: Admixed American, 0.0033%; no homozygotes.

Submission:

Labcorp Genetics (formerly Invitae), Labcorp
Classification: Uncertain significance. Last evaluated: 2024-05-22. Review status: criteria provided, single submitter. Criteria: Invitae Variant Classification Sherloc (09022015). Collection method: clinical testing. Allele origin: germline.
Comment: This sequence change replaces aspartic acid, which is acidic and polar, with asparagine, which is neutral and polar, at codon 72 of the NSMCE2 protein (p.Asp72Asn). This variant is present in population databases (no rsID available, gnomAD 0.004%). This variant has not been reported in the literature in individuals affected with NSMCE2-related conditions. ClinVar contains an entry for this variant (Variation ID: 1916392). Algorithms developed to predict the effect of missense changes on protein structure and function output the following: SIFT: "Not Available"; PolyPhen-2: "Benign"; Align-GVGD: "Not Available". The asparagine amino acid residue is found in multiple mammalian species, which suggests that this missense change does not adversely affect protein function. In summary, the available evidence is currently insufficient to determine the role of this variant in disease. Therefore, it has been classified as a Variant of Uncertain Significance.